The following is an entry in ClinVar:

ClinVar aggregate classification (germline): Likely benign (1 of 4 stars; one submission).

Allele frequency attached by ClinVar (database versions not stated): TOPMed below 0.00001; ExAC 0.00001; gnomAD 0.00001; gnomAD exomes 0.00001.
gnomAD v4.1: 3 of 1,590,360 alleles (0.00019%); highest among the groups gnomAD compares: Non-Finnish European, 0.00017%; no homozygotes.

Submission:

GeneDx
Classification: Likely benign. Last evaluated: 2015-06-18. Review status: criteria provided, single submitter. Criteria: GeneDx Variant Classification (06012015). Collection method: clinical testing. Allele origin: germline. Affected: yes.
Comment: This variant is considered likely benign or benign based on one or more of the following criteria: it is a conservative change, it occurs at a poorly conserved position in the protein, it is predicted to be benign by multiple in silico algorithms, and/or has population frequency not consistent with disease.

NM_000126.4(ETFA):c.985A>C (p.Ile329Leu)

Gene: ETFA (electron transfer flavoprotein subunit alpha; minus strand). Cytogenetic location: 15q24.2.
Variant type: single nucleotide variant.
Coding change: c.985A>C on transcript NM_000126.4 (MANE Select); coding-DNA position 985, A replaced by C.
Protein change: p.Ile329Leu; replaces isoleucine 329 with leucine.
Molecular consequence: missense variant.
Genome position (GRCh38, 1-based): chr15:76,216,576, T>G on the plus strand (A>C on the coding strand, the complement: ETFA is on the minus strand). VCF-style: chr15-76216576-T-G. GRCh37 (hg19) VCF-style: chr15-76508917-T-G.
Other names: c.838A>C, p.Ile280Leu (NM_001127716.2); short protein forms I329L, I280L.
Identifiers: ClinVar variation 379937 (VCV000379937.1), dbSNP rs765039243, ClinGen allele CA7673527.
Genomic context (GRCh38, chr15:76,216,576, plus strand): 5'-GAATACTTTAACAAAAGTTTTCTTTTTAAGGCATGATCCTGATTCATTTTTTCTTCAATA[T>G]CTCAGTCATTTCAGGAACTACCTGCAAATAAAAACAAAAAGTAATTAAGCAACTAGAGCC-3'
Protein context (NP_000117.1, residues 319-333): LFKVVPEMTE[Ile329Leu]LKKK